The following is an entry in ClinVar:

ClinVar aggregate classification (germline): Uncertain significance (1 of 4 stars; one submission).

Submission:

Labcorp Genetics (formerly Invitae), Labcorp
Classification: Uncertain significance. Last evaluated: 2024-04-05. Review status: criteria provided, single submitter. Criteria: Invitae Variant Classification Sherloc (09022015). Collection method: clinical testing. Allele origin: germline.
Comment: This variant, c.2307_2354del, results in the deletion of 16 amino acid(s) of the BRD4 protein (p.Gln773_Gln788del), but otherwise preserves the integrity of the reading frame. This variant is not present in population databases (gnomAD no frequency). This variant has not been reported in the literature in individuals affected with BRD4-related conditions. Experimental studies and prediction algorithms are not available or were not evaluated, and the functional significance of this variant is currently unknown. In summary, the available evidence is currently insufficient to determine the role of this variant in disease. Therefore, it has been classified as a Variant of Uncertain Significance.

NM_001379291.1(BRD4):c.2307_2354del (p.Gln773_Gln788del)

Gene: BRD4 (bromodomain containing 4; minus strand). Cytogenetic location: 19p13.12.
Variant type: Deletion.
Coding change: c.2307_2354del on transcript NM_001379291.1 (MANE Select); coding-DNA positions 2307 to 2354, 48 bases deleted.
Protein change: p.Gln773_Gln788del.
Molecular consequence: inframe deletion.
Genome position (GRCh38, 1-based): chr19:15,244,458-15,244,505, 48 bases deleted. GRCh37 (hg19): chr19:15,355,269-15,355,316.
Other names: c.2307_2354del, p.Gln773_Gln788del (NM_058243.3).
Identifiers: ClinVar variation 2820611 (VCV002820611.3), dbSNP rs2512715086, ClinGen allele CA2583072510.